The following is an entry in ClinVar:

NM_000057.4(BLM):c.3879A>G (p.Glu1293=)

Gene: BLM (BLM RecQ like helicase; plus strand). Cytogenetic location: 15q26.1.
Variant type: single nucleotide variant.
Coding change: c.3879A>G on transcript NM_000057.4 (MANE Select); coding-DNA position 3879, A replaced by G.
Protein change: p.Glu1293=; no amino-acid change (glutamic acid 1293 retained).
Molecular consequence: synonymous variant.
Genome position (GRCh38, 1-based): chr15:90,811,209, A>G. VCF-style: chr15-90811209-A-G. GRCh37 (hg19) VCF-style: chr15-91354439-A-G.
Other names: c.3879A>G (LRG_20t1); c.3879A>G, p.Glu1293= (NM_001287246.2); c.3486A>G, p.Glu1162= (NM_001287247.2); c.2754A>G, p.Glu918= (NM_001287248.2).
Identifiers: ClinVar variation 236819 (VCV000236819.42), dbSNP rs28377085, ClinGen allele CA7739153.
Genomic context (GRCh38, chr15:90,811,209, plus strand): 5'-AAAACACGTGGACCAGTGCGACATCACCTGTAAACATCTGCATTTTCCATTTGTAGCTGA[A>G]GACAGTTCCCCAGGGATAAGCCTGTCCAGCAGCAGAGGCCCCGGAAGAAGTGCCGCTGAG-3'
Protein context (NP_000048.1, residues 1283-1303): QKYSEWTSPA[Glu1293=]DSSPGISLSS

ClinVar aggregate classification (germline): Conflicting classifications of pathogenicity. Review status: criteria provided, conflicting classifications (1 of 4 stars). 13 submissions from 13 submitters: Uncertain significance (3); Benign (1); Likely benign (7). 2 of the submissions do not count toward it. Last evaluated 2026-02-27.

Conditions:
BLM-related disorder. Also called: BLM-related condition.
Bloom syndrome (BLM). Also called: Bloom-Torre-Machacek syndrome. Identifiers: Orphanet 125, MedGen C0005859, MONDO:0008876, OMIM 210900.
Hereditary cancer-predisposing syndrome. Also called: Tumor predisposition; Hereditary Cancer Syndrome; Neoplastic Syndromes, Hereditary; Hereditary neoplastic syndrome. Identifiers: Orphanet 140162, MedGen C0027672, MeSH D009386, MONDO:0015356.

Allele frequency attached by ClinVar (database versions not stated): gnomAD exomes 0.00015 and 0.00029; ExAC 0.00036; ESP Exome Variant Server 0.00092; TOPMed 0.00094; gnomAD 0.00096 and 0.00098; 1000 Genomes Project 0.00100; 1000 Genomes Project 30x 0.00109.

Submissions (13):

Women's Health and Genetics/Laboratory Corporation of America, LabCorp
Classification: Likely benign. Last evaluated: 2026-02-27. Review status: criteria provided, single submitter. Criteria: LabCorp Variant Classification Summary - May 2015. Collection method: clinical testing. Allele origin: germline.

Labcorp Genetics (formerly Invitae), Labcorp
Classification: Benign for Bloom syndrome. Last evaluated: 2026-02-02. Review status: criteria provided, single submitter. Criteria: Invitae Variant Classification Sherloc (09022015). Collection method: clinical testing. Allele origin: germline.

CeGaT Center for Human Genetics Tuebingen
Classification: Likely benign. Last evaluated: 2025-09-01. Review status: criteria provided, single submitter. Criteria: CeGaT Center For Human Genetics Tuebingen Variant Classification Criteria Version 2. Collection method: clinical testing. Allele origin: germline. Affected: yes. Observed: 1 variant allele.
Comment: BLM: BP4, BP7

ARUP Laboratories, Molecular Genetics and Genomics, ARUP Laboratories
Classification: Likely benign for Bloom syndrome. Last evaluated: 2025-05-05. Review status: criteria provided, single submitter. Criteria: ARUP Molecular Germline Variant Investigation Process 2024. Collection method: clinical testing. Allele origin: germline.

Blueprint Genetics
Classification: Likely benign. Last evaluated: 2024-11-05. Review status: criteria provided, single submitter. Criteria: ACMG Guidelines, 2015. Collection method: clinical testing. Allele origin: germline.

Ambry Genetics
Classification: Likely benign for Hereditary cancer-predisposing syndrome. Last evaluated: 2023-09-29. Review status: criteria provided, single submitter. Criteria: Ambry Variant Classification Scheme 2023. Collection method: clinical testing. Allele origin: germline.

Sema4
Classification: Likely benign for Hereditary cancer-predisposing syndrome. Last evaluated: 2021-05-27. Review status: criteria provided, single submitter. Criteria: Sema4 Curation Guidelines. Collection method: curation. Allele origin: germline.

Genetic Services Laboratory, University of Chicago
Classification: Likely benign. Last evaluated: 2020-12-17. Review status: criteria provided, single submitter. Criteria: ACMG Guidelines, 2015. Collection method: clinical testing. Allele origin: germline. Affected: no.

GeneKor MSA
Classification: Uncertain significance for Hereditary cancer-predisposing syndrome. Last evaluated: 2018-08-01. Review status: criteria provided, single submitter. Criteria: ACMG Guidelines, 2015. Collection method: clinical testing. Allele origin: germline. Affected: yes.

Eurofins Ntd Llc (ga)
Classification: Uncertain significance. Last evaluated: 2018-05-02. Review status: criteria provided, single submitter. Criteria: EGL ClinVar v180209 classification definitions. Collection method: clinical testing. Allele origin: germline. Observed: 1 variant allele, 1 heterozygote.

Illumina Laboratory Services, Illumina
Classification: Uncertain significance for Bloom syndrome. Last evaluated: 2018-01-12. Review status: criteria provided, single submitter. Criteria: ICSL Variant Classification Criteria 13 December 2019. Collection method: clinical testing. Allele origin: germline.

PreventionGenetics, part of Exact Sciences
Classification: Likely benign for BLM-related condition. Last evaluated: 2019-07-11. Review status: no assertion criteria provided. Collection method: clinical testing. Allele origin: germline. Not counted in ClinVar's aggregate classification.
Comment: This variant is classified as likely benign based on ACMG/AMP sequence variant interpretation guidelines (Richards et al. 2015 PMID: 25741868, with internal and published modifications).

Natera, Inc.
Classification: Likely benign for Bloom syndrome. Last evaluated: 2017-10-17. Review status: no assertion criteria provided. Collection method: clinical testing. Allele origin: germline. Not counted in ClinVar's aggregate classification.

Literature cited by the submitters: PubMed 29785153 (cited by Sema4); PubMed 31159747 (cited by Sema4).